The following is an entry in ClinVar:

ClinVar aggregate classification (germline): Uncertain significance (1 of 4 stars; one submission).

gnomAD v4.1: 43 of 1,593,728 alleles (0.0027%); highest among the groups gnomAD compares: East Asian, 0.0023%; no homozygotes.

Submission:

Women's Health and Genetics/Laboratory Corporation of America, LabCorp
Classification: Uncertain significance. Last evaluated: 2024-05-17. Review status: criteria provided, single submitter. Criteria: LabCorp Variant Classification Summary - May 2015. Collection method: clinical testing. Allele origin: germline.
Comment: Variant summary: GP1BB c.-12C>T is located in the untranslated mRNA region upstream of the initiation codon. The variant allele was found at a frequency of 6e-05 in 217688 control chromosomes (gnomAD). To our knowledge, no occurrence of c.-12C>T in individuals affected with Bernard Soulier Syndrome and no experimental evidence demonstrating its impact on protein function have been reported. No submitters have cited clinical-significance assessments for this variant to ClinVar. Based on the evidence outlined above, the variant was classified as uncertain significance.

NM_000407.5(GP1BB):c.-12C>T

Genes: GP1BB (glycoprotein Ib platelet subunit beta; plus strand), SEPT5-GP1BB (SEPT5-GP1BB readthrough; plus strand). Cytogenetic location: 22q11.21.
Variant type: single nucleotide variant.
Coding change: c.-12C>T on transcript NM_000407.5 (MANE Select); 12 bases upstream of the start codon, C replaced by T.
Molecular consequence: 5 prime UTR variant. On other transcripts: non-coding transcript variant (2).
Genome position (GRCh38, 1-based): chr22:19,723,558, C>T. VCF-style: chr22-19723558-C-T. GRCh37 (hg19) VCF-style: chr22-19711081-C-T.
Identifiers: ClinVar variation 3336512 (VCV003336512.1).
Genomic context (GRCh38, chr22:19,723,558, plus strand): 5'-GGCGGCCTTATCGCTCGGCTCTCCCGCCTACGCCTCCCGCTGCAGAGTAAGCCGGGCTGC[C>T]GTCTTCTCGCCATGGGCTCCGGTGAGTCTGGAGTCCGGTCGGGCCCCCGGCTGCTCCCTA-3'